The following is an entry in ClinVar:

NM_006059.4(LAMC3):c.4325A>G (p.Gln1442Arg)

Gene: LAMC3 (laminin subunit gamma 3; plus strand). Cytogenetic location: 9q34.12.
Variant type: single nucleotide variant.
Coding change: c.4325A>G on transcript NM_006059.4 (MANE Select); coding-DNA position 4325, A replaced by G.
Protein change: p.Gln1442Arg; replaces glutamine 1442 with arginine.
Molecular consequence: missense variant.
Genome position (GRCh38, 1-based): chr9:131,087,570, A>G. VCF-style: chr9-131087570-A-G. GRCh37 (hg19) VCF-style: chr9-133962957-A-G.
Other names: short protein forms Q1442R.
Identifiers: ClinVar variation 1351590 (VCV001351590.6), dbSNP rs2133352623, ClinGen allele CA375265476.
Genomic context (GRCh38, chr9:131,087,570, plus strand): 5'-CGCACCGCCGTGCCAGCAGGCTCACCAGCCAGACGCAAGCCACGCTCCAACAGGCGTCCC[A>G]GCAGGTGCTGGCGTCTGAAGCACGCAGACAGGAGCTGGAGGAAGCTGAGCGGGTACGTTT-3'
Protein context (NP_006050.3, residues 1432-1452): QTQATLQQAS[Gln1442Arg]QVLASEARRQ

ClinVar aggregate classification (germline): Uncertain significance (1 of 4 stars; one submission).

Submission:

Labcorp Genetics (formerly Invitae), Labcorp
Classification: Uncertain significance. Last evaluated: 2024-08-06. Review status: criteria provided, single submitter. Criteria: Invitae Variant Classification Sherloc (09022015). Collection method: clinical testing. Allele origin: germline.
Comment: This sequence change replaces glutamine, which is neutral and polar, with arginine, which is basic and polar, at codon 1442 of the LAMC3 protein (p.Gln1442Arg). This variant is not present in population databases (gnomAD no frequency). This variant has not been reported in the literature in individuals affected with LAMC3-related conditions. ClinVar contains an entry for this variant (Variation ID: 1351590). An algorithm developed to predict the effect of missense changes on protein structure and function outputs the following: PolyPhen-2: "Benign". The arginine amino acid residue is found in multiple mammalian species, which suggests that this missense change does not adversely affect protein function. In summary, the available evidence is currently insufficient to determine the role of this variant in disease. Therefore, it has been classified as a Variant of Uncertain Significance.